The following is an entry in ClinVar:

NM_013975.4(LIG3):c.1028G>A (p.Arg343Gln)

Gene: LIG3 (DNA ligase 3; plus strand). Cytogenetic location: 17q12.
Variant type: single nucleotide variant.
Coding change: c.1028G>A on transcript NM_013975.4 (MANE Select); coding-DNA position 1028, G replaced by A.
Protein change: p.Arg343Gln; replaces arginine 343 with glutamine.
Molecular consequence: missense variant.
Genome position (GRCh38, 1-based): chr17:34,991,101, G>A. VCF-style: chr17-34991101-G-A. GRCh37 (hg19) VCF-style: chr17-33318120-G-A.
Other names: c.1028G>A, p.Arg343Gln (NM_002311.5); short protein forms R343Q.
Identifiers: ClinVar variation 992261 (VCV000992261.1), dbSNP rs370882864, ClinGen allele CA8498233.

ClinVar aggregate classification (germline): Likely benign (1 of 4 stars; one submission).

Allele frequency attached by ClinVar (database versions not stated): gnomAD exomes 0.00002 and 0.00010; gnomAD 0.00006 and 0.00007; TOPMed 0.00006; ExAC 0.00007; ESP Exome Variant Server 0.00015; 1000 Genomes Project 30x 0.00016; 1000 Genomes Project 0.00020.
gnomAD v4.1: 44 of 1,614,072 alleles (0.0027%); highest among the groups gnomAD compares: African/African-American, 0.02%; no homozygotes.

Submission:

Women's Health and Genetics/Laboratory Corporation of America, LabCorp
Classification: Likely benign. Last evaluated: 2020-12-14. Review status: criteria provided, single submitter. Criteria: LabCorp Variant Classification Summary - May 2015. Collection method: clinical testing. Allele origin: germline.
Comment: Variant summary: LIG3 c.1028G>A (p.Arg343Gln) results in a conservative amino acid change in the encoded protein sequence. Four of five in-silico tools predict a benign effect of the variant on protein function. The variant allele was found at a frequency of 9.9e-05 in 251438 control chromosomes. The observed variant frequency is approximately 30 fold of the estimated maximal expected allele frequency for a pathogenic variant in LIG3 causing Long QT Syndrome phenotype (3.3e-06), strongly suggesting that the variant is benign. To our knowledge, no occurrence of c.1028G>A in individuals affected with Long QT Syndrome and no experimental evidence demonstrating its impact on protein function have been reported. No clinical diagnostic laboratories have submitted clinical-significance assessments for this variant to ClinVar after 2014. Based on the evidence outlined above, the variant was classified as likely benign.